The following is an entry in ClinVar:

ClinVar aggregate classification (germline): Likely benign. Review status: criteria provided, multiple submitters, no conflicts (2 of 4 stars). 2 submissions from 2 submitters: Likely benign (2). Last evaluated 2024-02-07.

Allele frequency attached by ClinVar (database versions not stated): gnomAD 0.00001; TOPMed 0.00001; ExAC 0.00002; gnomAD exomes 0.00002.
gnomAD v4.1: 26 of 1,614,020 alleles (0.0016%); highest among the groups gnomAD compares: Non-Finnish European, 0.0021%; no homozygotes.

Submissions (2):

Labcorp Genetics (formerly Invitae), Labcorp
Classification: Likely benign. Last evaluated: 2024-02-07. Review status: criteria provided, single submitter. Criteria: Invitae Variant Classification Sherloc (09022015). Collection method: clinical testing. Allele origin: germline.

CeGaT Center for Human Genetics Tuebingen
Classification: Likely benign. Last evaluated: 2022-07-01. Review status: criteria provided, single submitter. Criteria: CeGaT Center For Human Genetics Tuebingen Variant Classification Criteria Version 2. Collection method: clinical testing. Allele origin: germline. Affected: yes. Observed: 1 variant allele.
Comment: DNAH9: BP4, BP7

NM_001372.4(DNAH9):c.9552C>T (p.Ala3184=)

Gene: DNAH9 (dynein axonemal heavy chain 9; plus strand). Cytogenetic location: 17p12.
Variant type: single nucleotide variant.
Coding change: c.9552C>T on transcript NM_001372.4 (MANE Select); coding-DNA position 9552, C replaced by T.
Protein change: p.Ala3184=; no amino-acid change (alanine 3184 retained).
Molecular consequence: synonymous variant.
Genome position (GRCh38, 1-based): chr17:11,854,047, C>T. VCF-style: chr17-11854047-C-T. GRCh37 (hg19) VCF-style: chr17-11757364-C-T.
Identifiers: ClinVar variation 2647489 (VCV002647489.26), dbSNP rs774684449, ClinGen allele CA8397260.